The following is an entry in ClinVar:

ClinVar aggregate classification (germline): Uncertain significance (1 of 4 stars; one submission).

Submission:

Labcorp Genetics (formerly Invitae), Labcorp
Classification: Uncertain significance. Last evaluated: 2023-12-13. Review status: criteria provided, single submitter. Criteria: Invitae Variant Classification Sherloc (09022015). Collection method: clinical testing. Allele origin: germline.
Comment: This sequence change replaces asparagine, which is neutral and polar, with aspartic acid, which is acidic and polar, at codon 249 of the RP2 protein (p.Asn249Asp). This variant is not present in population databases (gnomAD no frequency). This variant has not been reported in the literature in individuals affected with RP2-related conditions. Advanced modeling of protein sequence and biophysical properties (such as structural, functional, and spatial information, amino acid conservation, physicochemical variation, residue mobility, and thermodynamic stability) has been performed at Invitae for this missense variant, however the output from this modeling did not meet the statistical confidence thresholds required to predict the impact of this variant on RP2 protein function. In summary, the available evidence is currently insufficient to determine the role of this variant in disease. Therefore, it has been classified as a Variant of Uncertain Significance.

NM_006915.3(RP2):c.745A>G (p.Asn249Asp)

Gene: RP2 (RP2 activator of ARL3 GTPase; plus strand). Cytogenetic location: Xp11.3.
Variant type: single nucleotide variant.
Coding change: c.745A>G on transcript NM_006915.3 (MANE Select); coding-DNA position 745, A replaced by G.
Protein change: p.Asn249Asp; replaces asparagine 249 with aspartic acid.
Molecular consequence: missense variant.
Genome position (GRCh38, 1-based): chrX:46,854,118, A>G. VCF-style: chrX-46854118-A-G. GRCh37 (hg19) VCF-style: chrX-46713553-A-G.
Other names: short protein forms N249D.
Identifiers: ClinVar variation 2967880 (VCV002967880.3), dbSNP rs2519914936, ClinGen allele CA413040620.